The following is an entry in ClinVar:

ClinVar aggregate classification (germline): Likely pathogenic. Review status: criteria provided, multiple submitters, no conflicts (2 of 4 stars). 6 submissions from 6 submitters: Likely pathogenic (6). Last evaluated 2023-11-24.

Conditions:
Hereditary cancer-predisposing syndrome. Also called: Neoplastic Syndromes, Hereditary; Hereditary Cancer Syndrome; Tumor predisposition; Hereditary neoplastic syndrome. Identifiers: Orphanet 140162, MedGen C0027672, MeSH D009386, MONDO:0015356.
Breast and/or ovarian cancer. Identifiers: MedGen CN221562.
Familial cancer of breast. Also called: hereditary breast carcinoma; BREAST CANCER, FAMILIAL; Hereditary breast cancer. Identifiers: Orphanet 227535, MedGen C0346153, MONDO:0016419, OMIM 114480. Disease mechanism: loss of function.

Allele frequency attached by ClinVar (database versions not stated): TOPMed below 0.00001.

Submissions (6):

Labcorp Genetics (formerly Invitae), Labcorp
Classification: Likely pathogenic for Familial cancer of breast. Last evaluated: 2023-11-24. Review status: criteria provided, single submitter. Criteria: Invitae Variant Classification Sherloc (09022015). Collection method: clinical testing. Allele origin: germline.
Comment: This sequence change affects a donor splice site in intron 13 of the CHEK2 gene. It is expected to disrupt RNA splicing. Variants that disrupt the donor or acceptor splice site typically lead to a loss of protein function (PMID: 16199547), and loss-of-function variants in CHEK2 are known to be pathogenic (PMID: 21876083, 24713400). This variant is not present in population databases (gnomAD no frequency). Disruption of this splice site has been observed in individual(s) with personal or family history of breast and/or ovarian cancer (PMID: 24549055, 31159747). ClinVar contains an entry for this variant (Variation ID: 572314). Algorithms developed to predict the effect of sequence changes on RNA splicing suggest that this variant may disrupt the consensus splice site. In summary, the currently available evidence indicates that the variant is pathogenic, but additional data are needed to prove that conclusively. Therefore, this variant has been classified as Likely Pathogenic.

Myriad Genetics, Inc.
Classification: Likely pathogenic for Familial cancer of breast. Last evaluated: 2023-06-28. Review status: criteria provided, single submitter. Criteria: Myriad Autosomal Dominant, Autosomal Recessive and X-Linked Classification Criteria (2023). Collection method: clinical testing. Allele origin: unknown.
Comment: This variant is considered likely pathogenic. This variant occurs within a consensus splice junction and is predicted to result in abnormal mRNA splicing of either an out-of-frame exon or an in-frame exon necessary for protein stability and/or normal function.

CHEO Genetics Diagnostic Laboratory, Children's Hospital of Eastern Ontario
Classification: Likely pathogenic for Breast and/or ovarian cancer. Last evaluated: 2023-05-17. Review status: criteria provided, single submitter. Criteria: ACMG Guidelines, 2015. Collection method: clinical testing. Allele origin: germline.

Ambry Genetics
Classification: Likely pathogenic for Hereditary cancer-predisposing syndrome. Last evaluated: 2022-07-29. Review status: criteria provided, single submitter. Criteria: Ambry Variant Classification Scheme 2023. Collection method: clinical testing. Allele origin: germline.
Comment: The c.1461+2T>C intronic variant results from a T to C substitution two nucleotides after coding exon 12 in the CHEK2 gene. This alteration has been identified in a cohort of high-risk breast/ovarian cancer patients (Cast&eacute;ra L et al. Eur J Hum Genet, 2014 Nov;22:1305-13). This alteration has also been reported in 1/1197 individuals from Greece, Romania, and Turkey undergoing evaluation for inherited cancer predisposition (Tsaousis GN et al. BMC Cancer, 2019 Jun;19:535). This nucleotide position is highly conserved in available vertebrate species. In silico splice site analysis predicts that this alteration will weaken the native splice donor site. RNA studies have demonstrated that this alteration results in abnormal splicing in the set of samples tested (Ambry internal data). Alterations that disrupt the canonical splice site are expected to cause aberrant splicing, resulting in an abnormal protein or a transcript that is subject to nonsense-mediated mRNA decay. Based on the majority of available evidence to date, this variant is likely to be pathogenic.

Institute of Medical Genetics and Applied Genomics, University Hospital Tübingen
Classification: Likely pathogenic. Last evaluated: 2020-10-23. Review status: criteria provided, single submitter. Criteria: ACMG Guidelines, 2015. Collection method: clinical testing. Allele origin: germline. Inheritance: Autosomal dominant inheritance. Affected: yes.

GeneKor MSA
Classification: Likely pathogenic. Last evaluated: 2020-01-01. Review status: criteria provided, single submitter. Criteria: ACMG Guidelines, 2015. Collection method: clinical testing. Allele origin: germline.
Comment: This sequence change occurs 2 nucleotides after exon 13 of the CHEK2 gene. This position is highly conserved in the human and other genomes and is crucial in mRNA processing. This variant is expected to disrupt RNA splicing and likely results in an absent or disrupted protein product. Truncating variants in CHEK2 are known to be pathogenic (PMID: 21876083, 24713400). Also, donor and acceptor splice site variants as usual lead to a loss of protein function (PMID: 16199547). This variant has been described in the international literature in individuals with personal or family history of breast and/or ovarian cancer(PMID:24549055) and an individual undergoing panel testing for hereditary syndrome (PMID: 31159747). The mutation database ClinVar contains entries for this variant (Variation ID:572314).

Literature cited by the submitters: PubMed 16199547 (cited by Labcorp Genetics (formerly Invitae), Labcorp); PubMed 21876083 (cited by Labcorp Genetics (formerly Invitae), Labcorp); PubMed 24713400 (cited by Labcorp Genetics (formerly Invitae), Labcorp); PubMed 24549055 (cited by Labcorp Genetics (formerly Invitae), Labcorp and Ambry Genetics); PubMed 31159747 (cited by Labcorp Genetics (formerly Invitae), Labcorp and Ambry Genetics).

NM_007194.4(CHEK2):c.1461+2T>C

Gene: CHEK2 (checkpoint kinase 2; minus strand). Cytogenetic location: 22q12.1.
Variant type: single nucleotide variant.
Coding change: c.1461+2T>C on transcript NM_007194.4 (MANE Select); the canonical splice donor site of the intron after coding-DNA position 1461, T replaced by C.
Molecular consequence: splice donor variant.
Genome position (GRCh38, 1-based): chr22:28,694,030, A>G on the plus strand (T>C on the coding strand, the complement: CHEK2 is on the minus strand). VCF-style: chr22-28694030-A-G. GRCh37 (hg19) VCF-style: chr22-29090018-A-G.
Other names: c.798+2T>C (NM_001437942.1, NM_001257387.3); c.1260+2T>C (NM_001349956.3); c.1374+2T>C (NM_145862.3); c.1467+2T>C (NM_001438295.1); c.1554+2T>C (NM_001438293.1); c.1503+2T>C (NM_001438294.1); c.1590+2T>C (NM_001005735.3).
Identifiers: ClinVar variation 572314 (VCV000572314.18), dbSNP rs779844113, ClinGen allele CA411093842.